The following is an entry in ClinVar:

ClinVar aggregate classification (germline): Uncertain significance (1 of 4 stars; one submission).

Conditions:
Autosomal recessive limb-girdle muscular dystrophy type 2T. Also called: MUSCULAR DYSTROPHY-DYSTROGLYCANOPATHY, LIMB-GIRDLE, GMPPB-RELATED; MUSCULAR DYSTROPHY, LIMB-GIRDLE, TYPE 2T; Limb-girdle muscular dystrophy-dystroglycanopathy, type C14; Muscular dystrophy-dystroglycanopathy (limb-girdle), type c, 14. Identifiers: Orphanet 363623, MedGen C4518000, MONDO:0014142, OMIM 615352.
Muscular dystrophy-dystroglycanopathy (congenital with impaired intellectual development), type B, 14. Also called: Muscular dystrophy-dystroglycanopathy (congenital with intellectual disability), type B14; MUSCULAR DYSTROPHY, CONGENITAL, GMPPB-RELATED; Congenital muscular dystrophy-dystroglycanopathy with mental retardation, type B14. Identifiers: MedGen C3809221, MONDO:0014141, OMIM 615351.
Muscular dystrophy-dystroglycanopathy (congenital with brain and eye anomalies), type A14. Also called: WALKER-WARBURG SYNDROME OR MUSCLE-EYE-BRAIN DISEASE, GMPPB-RELATED; Congenital Muscular Dystrophy-Dystroglycanopathy with Brain and Eye Anomalies Type A 14; Congenital muscular dystrophy-dystroglycanopathy with brain and eye anomalies, type A14; Muscular dystrophy-dystroglycanopathy (congenital with brain and eye anomalies), type a, 14. Identifiers: Orphanet 588, MedGen C3809216, MONDO:0014140, OMIM 615350.

gnomAD v4.1: 1 of 1,613,698 alleles (0.000062%); no homozygotes.

Submission:

Labcorp Genetics (formerly Invitae), Labcorp
Classification: Uncertain significance for Autosomal recessive limb-girdle muscular dystrophy type 2T; Muscular dystrophy-dystroglycanopathy (congenital with brain and eye anomalies), type A14; Muscular dystrophy-dystroglycanopathy (congenital with impaired intellectual development), type B, 14. Last evaluated: 2022-08-21. Review status: criteria provided, single submitter. Criteria: Invitae Variant Classification Sherloc (09022015). Collection method: clinical testing. Allele origin: germline.
Comment: This sequence change replaces glutamic acid, which is acidic and polar, with glycine, which is neutral and non-polar, at codon 99 of the GMPPB protein (p.Glu99Gly). In summary, the available evidence is currently insufficient to determine the role of this variant in disease. Therefore, it has been classified as a Variant of Uncertain Significance. Algorithms developed to predict the effect of sequence changes on RNA splicing suggest that this variant may create or strengthen a splice site. Algorithms developed to predict the effect of missense changes on protein structure and function (SIFT, PolyPhen-2, Align-GVGD) all suggest that this variant is likely to be tolerated. This variant has not been reported in the literature in individuals affected with GMPPB-related conditions. This variant is not present in population databases (gnomAD no frequency).

NM_021971.4(GMPPB):c.296A>G (p.Glu99Gly)

Gene: GMPPB (GDP-mannose pyrophosphorylase B; minus strand). Cytogenetic location: 3p21.31.
Variant type: single nucleotide variant.
Coding change: c.296A>G on transcript NM_021971.4 (MANE Select); coding-DNA position 296, A replaced by G.
Protein change: p.Glu99Gly; replaces glutamic acid 99 with glycine.
Molecular consequence: missense variant.
Genome position (GRCh38, 1-based): chr3:49,723,078, T>C on the plus strand (A>G on the coding strand, the complement: GMPPB is on the minus strand). VCF-style: chr3-49723078-T-C. GRCh37 (hg19) VCF-style: chr3-49760511-T-C.
Other names: c.296A>G, p.Glu99Gly (NM_013334.4); short protein forms E99G.
Identifiers: ClinVar variation 1717376 (VCV001717376.6), dbSNP rs2080447511, ClinGen allele CA352829849.
Genomic context (GRCh38, chr3:49,723,078, plus strand): 5'-GCTTGGAAGGGGAAATCGCAGATCACGTCACTGTTGAGGACGAAGAAAGGGTCTGCAGTC[T>C]CAGAGAGTAGGTCACGGGCCAGCGCCAGGGGCCCAGCTGGGGGAAGGGGACAGGTCACCA-3'
Protein context (NP_068806.2, residues 89-109): PLALARDLLS[Glu99Gly]TADPFFVLNS